The following is an entry in ClinVar:

ClinVar aggregate classification (germline): Pathogenic. Review status: criteria provided, multiple submitters, no conflicts (2 of 4 stars). 3 submissions from 3 submitters: Pathogenic (2). 1 of the submissions does not count toward it. Last evaluated 2023-12-04.

Conditions:
LAMA2-related muscular dystrophy (LAMA2-RD). Also called: Laminin alpha 2-related dystrophy. Identifiers: MedGen C5679788, MONDO:0100228.
Merosin deficient congenital muscular dystrophy (MDC1A). Also called: Congenital merosin-deficient muscular dystrophy 1A; Congenital Muscular Dystrophy Type 1A (MDC1A). Identifiers: Orphanet 258, MedGen C1263858, MONDO:0011925, OMIM 607855.

Submissions (3):

Labcorp Genetics (formerly Invitae), Labcorp
Classification: Pathogenic for LAMA2-related muscular dystrophy. Last evaluated: 2023-12-04. Review status: criteria provided, single submitter. Criteria: Invitae Variant Classification Sherloc (09022015). Collection method: clinical testing. Allele origin: germline.
Comment: This sequence change creates a premature translational stop signal (p.Trp1098*) in the LAMA2 gene. It is expected to result in an absent or disrupted protein product. Loss-of-function variants in LAMA2 are known to be pathogenic (PMID: 18700894, 32904964). This variant is present in population databases (rs764839142, gnomAD 0.0009%). This premature translational stop signal has been observed in individual(s) with clinical features of congenital muscular dystrophy (PMID: 20207543). ClinVar contains an entry for this variant (Variation ID: 550611). For these reasons, this variant has been classified as Pathogenic.

Revvity Omics, Revvity
Classification: Pathogenic. Last evaluated: 2019-06-17. Review status: criteria provided, single submitter. Criteria: ACMG Guidelines, 2015. Collection method: clinical testing. Allele origin: germline.

Counsyl
Classification: Likely pathogenic for Merosin deficient congenital muscular dystrophy. Last evaluated: 2017-02-03. Review status: no assertion criteria provided. Collection method: clinical testing. Allele origin: unknown. Not counted in ClinVar's aggregate classification.

Literature cited by the submitters: PubMed 18700894 (cited by Labcorp Genetics (formerly Invitae), Labcorp); PubMed 32904964 (cited by Labcorp Genetics (formerly Invitae), Labcorp); PubMed 20207543 (cited by Labcorp Genetics (formerly Invitae), Labcorp and Counsyl).

NM_000426.4(LAMA2):c.3294del (p.His1097_Trp1098insTer)

Gene: LAMA2 (laminin subunit alpha 2; plus strand). Cytogenetic location: 6q22.33.
Variant type: Deletion.
Coding change: c.3294del on transcript NM_000426.4 (MANE Select); coding-DNA position 3294, one base deleted (G; older notation c.3294delG).
Protein change: p.His1097_Trp1098insTer.
Molecular consequence: nonsense.
Genome position (GRCh38, 1-based): chr6:129,312,980, G deleted; the last of 2 consecutive G bases (chr6:129,312,979-129,312,980); deleting either gives the same sequence. VCF-style (leftmost placement, unchanged base first): chr6-129312978-TG-T. GRCh37 (hg19) VCF-style: chr6-129634123-TG-T.
Other names: c.3294delG (NM_000426.3); c.3294del, p.His1097_Trp1098insTer (NM_001079823.2).
Identifiers: ClinVar variation 550611 (VCV000550611.14), dbSNP rs764839142, ClinGen allele CA3993228.